The following is an entry in ClinVar:

NM_006941.4(SOX10):c.470C>T (p.Ala157Val)

Genes: POLR2F (RNA polymerase II, I and III subunit F; plus strand), SOX10 (SRY-box transcription factor 10; minus strand). Cytogenetic location: 22q13.1.
Variant type: single nucleotide variant.
Coding change: c.470C>T on transcript NM_006941.4 (MANE Select); coding-DNA position 470, C replaced by T.
Protein change: p.Ala157Val; replaces alanine 157 with valine.
Molecular consequence: missense variant. On other transcripts: intron variant (3).
Genome position (GRCh38, 1-based): chr22:37,978,094, G>A on the plus strand (C>T on the coding strand, the complement: SOX10 is on the minus strand). VCF-style: chr22-37978094-G-A. GRCh37 (hg19) VCF-style: chr22-38374101-G-A.
Other names: c.*38+5784G>A (NM_001363825.1); c.294-8060G>A (NM_001301130.2); c.293+10924G>A (NM_001301131.2); short protein forms A157V.
Identifiers: ClinVar variation 7408 (VCV000007408.8), dbSNP rs121909117, ClinGen allele CA118779.

ClinVar aggregate classification (germline): Pathogenic. Review status: criteria provided, multiple submitters, no conflicts (2 of 4 stars). 3 submissions from 3 submitters: Pathogenic (2). 1 of the submissions does not count toward it. Last evaluated 2024-01-20.

Conditions:
Waardenburg syndrome type 4C (WS4C). Also called: WAARDENBURG SYNDROME WITH HIRSCHSPRUNG DISEASE, TYPE 4C. Identifiers: Orphanet 897, MedGen C2750452, MONDO:0013202, OMIM 613266.

Submissions (3):

Labcorp Genetics (formerly Invitae), Labcorp
Classification: Pathogenic. Last evaluated: 2024-01-20. Review status: criteria provided, single submitter. Criteria: Invitae Variant Classification Sherloc (09022015). Collection method: clinical testing. Allele origin: germline.
Comment: This sequence change replaces alanine, which is neutral and non-polar, with valine, which is neutral and non-polar, at codon 157 of the SOX10 protein (p.Ala157Val). This variant is not present in population databases (gnomAD no frequency). This missense change has been observed in individual(s) with clinical features of Waardenburg syndrome (PMID: 18348274, 34474183). In at least one individual the variant was observed to be de novo. ClinVar contains an entry for this variant (Variation ID: 7408). Advanced modeling of protein sequence and biophysical properties (such as structural, functional, and spatial information, amino acid conservation, physicochemical variation, residue mobility, and thermodynamic stability) performed at Invitae indicates that this missense variant is expected to disrupt SOX10 protein function with a positive predictive value of 80%. Experimental studies have shown that this missense change affects SOX10 function (PMID: 21898658). For these reasons, this variant has been classified as Pathogenic.

GeneDx
Classification: Pathogenic. Last evaluated: 2022-02-04. Review status: criteria provided, single submitter. Criteria: GeneDx Variant Classification Process June 2021. Collection method: clinical testing. Allele origin: germline. Affected: yes.
Comment: Published functional studies demonstrate a damaging effect on DNA binding and protein localization (Chaoui A et al., 2011); Not observed at significant frequency in large population cohorts (gnomAD); In silico analysis supports that this missense variant has a deleterious effect on protein structure/function; This variant is associated with the following publications: (PMID: 18348274, 21898658, 30661772)

OMIM
Classification: Pathogenic for WAARDENBURG SYNDROME, TYPE 4C. Last evaluated: 2008-04-15. Review status: no assertion criteria provided. Collection method: literature only. Allele origin: germline. Not counted in ClinVar's aggregate classification.

Literature cited by the submitters: PubMed 18348274 (cited by Labcorp Genetics (formerly Invitae), Labcorp and OMIM); PubMed 34474183 (cited by Labcorp Genetics (formerly Invitae), Labcorp); PubMed 21898658 (cited by Labcorp Genetics (formerly Invitae), Labcorp).